The following is an entry in ClinVar:

NM_022455.5(NSD1):c.1837C>G (p.Leu613Val)

Gene: NSD1 (nuclear receptor binding SET domain protein 1; plus strand). Cytogenetic location: 5q35.3.
Variant type: single nucleotide variant.
Coding change: c.1837C>G on transcript NM_022455.5 (MANE Select); coding-DNA position 1837, C replaced by G.
Protein change: p.Leu613Val; replaces leucine 613 with valine.
Molecular consequence: missense variant.
Genome position (GRCh38, 1-based): chr5:177,210,236, C>G. VCF-style: chr5-177210236-C-G. GRCh37 (hg19) VCF-style: chr5-176637237-C-G.
Other names: c.964C>G, p.Leu322Val (NM_001365684.2, NM_001409306.1, NM_001409307.1 and 3 more transcripts); c.1837C>G, p.Leu613Val (NM_001409301.1, NM_001409302.1, NM_001409303.1); c.1417C>G, p.Leu473Val (NM_001409304.1); c.1084C>G, p.Leu362Val (NM_001409305.1); short protein forms L322V, L344V, L362V, L473V, L613V.
Identifiers: ClinVar variation 1803458 (VCV001803458.1), dbSNP rs1562206703, ClinGen allele CA362311668.

ClinVar aggregate classification (germline): Uncertain significance (1 of 4 stars; one submission).

Allele frequency attached by ClinVar (database versions not stated): gnomAD exomes below 0.00001.
gnomAD v4.1: 1 of 1,597,026 alleles (0.000063%); highest among the groups gnomAD compares: Non-Finnish European, 0.000085%; no homozygotes.

Submission:

GeneDx
Classification: Uncertain significance. Last evaluated: 2022-06-08. Review status: criteria provided, single submitter. Criteria: GeneDx Variant Classification Process June 2021. Collection method: clinical testing. Allele origin: germline. Affected: yes.
Comment: In silico analysis supports that this missense variant does not alter protein structure/function; Has not been previously published as pathogenic or benign to our knowledge